The following is an entry in ClinVar:

ClinVar aggregate classification (germline): Uncertain significance (1 of 4 stars; one submission).

Conditions:
Dyskeratosis congenita. Identifiers: Orphanet 1775, MedGen C0265965, MONDO:0015780.

Submission:

Labcorp Genetics (formerly Invitae), Labcorp
Classification: Uncertain significance for Dyskeratosis congenita. Last evaluated: 2022-01-18. Review status: criteria provided, single submitter. Criteria: Invitae Variant Classification Sherloc (09022015). Collection method: clinical testing. Allele origin: germline.
Comment: This sequence change replaces lysine, which is basic and polar, with glutamic acid, which is acidic and polar, at codon 795 of the CTC1 protein (p.Lys795Glu). This variant is not present in population databases (gnomAD no frequency). This variant has not been reported in the literature in individuals affected with CTC1-related conditions. Algorithms developed to predict the effect of missense changes on protein structure and function are either unavailable or do not agree on the potential impact of this missense change (SIFT: "Deleterious"; PolyPhen-2: "Possibly Damaging"; Align-GVGD: "Class C0"). In summary, the available evidence is currently insufficient to determine the role of this variant in disease. Therefore, it has been classified as a Variant of Uncertain Significance.

NM_025099.6(CTC1):c.2383A>G (p.Lys795Glu)

Gene: CTC1 (CST telomere replication complex component 1; minus strand). Cytogenetic location: 17p13.1.
Variant type: single nucleotide variant.
Coding change: c.2383A>G on transcript NM_025099.6 (MANE Select); coding-DNA position 2383, A replaced by G.
Protein change: p.Lys795Glu; replaces lysine 795 with glutamic acid.
Molecular consequence: missense variant. On other transcripts: non-coding transcript variant (1).
Genome position (GRCh38, 1-based): chr17:8,231,905, T>C on the plus strand (A>G on the coding strand, the complement: CTC1 is on the minus strand). VCF-style: chr17-8231905-T-C. GRCh37 (hg19) VCF-style: chr17-8135223-T-C.
Other names: c.2383A>G, p.Lys795Glu (NM_001411067.1); short protein forms K795E.
Identifiers: ClinVar variation 2064525 (VCV002064525.4), dbSNP rs2507895814, ClinGen allele CA397977044.